The following is an entry in ClinVar:

NM_002246.3(KCNK3):c.544G>A (p.Glu182Lys)

Gene: KCNK3 (potassium two pore domain channel subfamily K member 3; plus strand). Cytogenetic location: 2p23.3.
Variant type: single nucleotide variant.
Coding change: c.544G>A on transcript NM_002246.3 (MANE Select); coding-DNA position 544, G replaced by A.
Protein change: p.Glu182Lys; replaces glutamic acid 182 with lysine.
Molecular consequence: missense variant.
Genome position (GRCh38, 1-based): chr2:26,727,927, G>A. VCF-style: chr2-26727927-G-A. GRCh37 (hg19) VCF-style: chr2-26950795-G-A.
Other names: short protein forms E182K.
Identifiers: ClinVar variation 60482 (VCV000060482.10), dbSNP rs398123042, ClinGen allele CA211302.

ClinVar aggregate classification (germline): Likely pathogenic. Review status: criteria provided, multiple submitters, no conflicts (2 of 4 stars). 3 submissions from 3 submitters: Likely pathogenic (2). 1 of the submissions does not count toward it. Last evaluated 2026-07-20.

Conditions:
Pulmonary hypertension, primary, 4. Identifiers: Orphanet 422, MedGen C3809198, MONDO:0014136, OMIM 615344.

Allele frequency attached by ClinVar (database versions not stated): TOPMed 0.00001; gnomAD 0.00001.
gnomAD v4.1: 2 of 1,614,064 alleles (0.00012%); highest among the groups gnomAD compares: Non-Finnish European, 0.00017%; no homozygotes.

Submissions (3):

Institute of Human Genetics, University of Leipzig Medical Center
Classification: Likely pathogenic for Pulmonary hypertension, primary, 4. Last evaluated: 2026-07-20. Review status: criteria provided, single submitter. Criteria: ACMG Guidelines, 2015. Collection method: clinical testing. Allele origin: unknown. Inheritance: Autosomal dominant inheritance. Affected: yes.
Comment: Criteria applied: PS4_MOD,PM5,PM2_SUP,PP4

Labcorp Genetics (formerly Invitae), Labcorp
Classification: Likely pathogenic for Pulmonary hypertension, primary, 4. Last evaluated: 2024-09-24. Review status: criteria provided, single submitter. Criteria: Invitae Variant Classification Sherloc (09022015). Collection method: clinical testing. Allele origin: germline.
Comment: This sequence change replaces glutamic acid, which is acidic and polar, with lysine, which is basic and polar, at codon 182 of the KCNK3 protein (p.Glu182Lys). This variant is present in population databases (rs398123042, gnomAD 0.007%). This missense change has been observed in individuals with pulmonary arterial hypertension (PMID: 23883380, 29743074; internal data). ClinVar contains an entry for this variant (Variation ID: 60482). Invitae Evidence Modeling of protein sequence and biophysical properties (such as structural, functional, and spatial information, amino acid conservation, physicochemical variation, residue mobility, and thermodynamic stability) indicates that this missense variant is expected to disrupt KCNK3 protein function with a positive predictive value of 80%. Experimental studies have shown that this missense change affects KCNK3 function (PMID: 23883380, 28889099). In summary, the currently available evidence indicates that the variant is pathogenic, but additional data are needed to prove that conclusively. Therefore, this variant has been classified as Likely Pathogenic.

OMIM
Classification: Pathogenic for PULMONARY HYPERTENSION, PRIMARY, 4. Last evaluated: 2013-07-25. Review status: no assertion criteria provided. Collection method: literature only. Allele origin: germline. Not counted in ClinVar's aggregate classification.

Literature cited by the submitters: PubMed 23883380 (cited by Labcorp Genetics (formerly Invitae), Labcorp and OMIM); PubMed 29743074 (cited by Labcorp Genetics (formerly Invitae), Labcorp); PubMed 28889099 (cited by Labcorp Genetics (formerly Invitae), Labcorp).